The following is an entry in ClinVar:

ClinVar aggregate classification (germline): Conflicting classifications of pathogenicity. Review status: criteria provided, conflicting classifications (1 of 4 stars). 4 submissions from 4 submitters: Uncertain significance (2); Benign (1). 1 of the submissions does not count toward it. Last evaluated 2018-01-13.

Conditions:
Cardiomyopathy (CMYO). Also called: Cardiomyopathies. Identifiers: Orphanet 167848, MedGen C0878544, MONDO:0004994, HP:0001638. Inheritance: Various modes of inheritance.
Hypertrophic cardiomyopathy 12. Identifiers: MedGen C2677491, MONDO:0012804, OMIM 612124.

Allele frequency attached by ClinVar (database versions not stated): 1000 Genomes Project 0.00040; gnomAD 0.00092 and 0.00090; 1000 Genomes Project 30x 0.00031; TOPMed 0.00113.

Submissions (4):

Illumina Laboratory Services, Illumina
Classification: Uncertain significance for Hypertrophic cardiomyopathy 12. Last evaluated: 2018-01-13. Review status: criteria provided, single submitter. Criteria: ICSL Variant Classification Criteria 13 December 2019. Collection method: clinical testing. Allele origin: germline.

CHEO Genetics Diagnostic Laboratory, Children's Hospital of Eastern Ontario
Classification: Uncertain significance for Cardiomyopathy. Last evaluated: 2017-05-26. Review status: criteria provided, single submitter. Criteria: ACMG Guidelines, 2015. Collection method: clinical testing. Allele origin: germline. Study: Canadian Open Genetics Repository.

GeneDx
Classification: Benign. Last evaluated: 2014-04-10. Review status: criteria provided, single submitter. Criteria: GeneDx Variant Classification (06012015). Collection method: clinical testing. Allele origin: germline. Affected: yes.
Comment: This variant is considered likely benign or benign based on one or more of the following criteria: it is a conservative change, it occurs at a poorly conserved position in the protein, it is predicted to be benign by multiple in silico algorithms, and/or has population frequency not consistent with disease.

Laboratory for Molecular Medicine, Mass General Brigham Personalized Medicine
No classification provided. Last evaluated: 2013-01-23. Review status: no classification provided. Collection method: clinical testing. Allele origin: germline. Observed: 7 variant alleles. Not counted in ClinVar's aggregate classification.

NC_000011.10:g.19201999T>G

Genes: CSRP3 (cysteine and glycine rich protein 3; minus strand), CSRP3-AS1 (CSRP3 and E2F8 antisense RNA 1; plus strand). Cytogenetic location: 11p15.1.
Variant type: single nucleotide variant.
Genome position: GRCh38 VCF-style: chr11-19201999-T-G. GRCh37 (hg19) VCF-style: chr11-19223546-T-G.
Other names: c.-74A>C (NM_003476.3).
Identifiers: ClinVar variation 137036 (VCV000137036.10), dbSNP rs45498797, ClinGen allele CA175611.